The following is an entry in ClinVar:

ClinVar aggregate classification (germline): Uncertain significance (1 of 4 stars; one submission).

Submission:

GeneDx
Classification: Uncertain significance. Last evaluated: 2026-04-22. Review status: criteria provided, single submitter. Criteria: GeneDx Variant Classification Process June 2021. Collection method: clinical testing. Allele origin: germline.
Comment: Not observed at significant frequency in large population cohorts (gnomAD); In silico analysis suggests that this missense variant does not alter protein structure/function; Has not been previously published as pathogenic or benign to our knowledge

NM_001379403.1(WDR26):c.1099G>C (p.Ala367Pro)

Gene: WDR26 (WD repeat domain 26; minus strand). Cytogenetic location: 1q42.12.
Variant type: single nucleotide variant.
Coding change: c.1099G>C on transcript NM_001379403.1 (MANE Select); coding-DNA position 1099, G replaced by C.
Protein change: p.Ala367Pro; replaces alanine 367 with proline.
Molecular consequence: missense variant.
Genome position (GRCh38, 1-based): chr1:224,419,581, C>G on the plus strand (G>C on the coding strand, the complement: WDR26 is on the minus strand). VCF-style: chr1-224419581-C-G. GRCh37 (hg19) VCF-style: chr1-224607283-C-G.
Other names: c.751G>C, p.Ala251Pro (NM_001115113.3); c.799G>C, p.Ala267Pro (NM_025160.7); short protein forms A251P, A267P, A367P.
Identifiers: ClinVar variation 5037433 (VCV005037433.1).
Genomic context (GRCh38, chr1:224,419,581, plus strand): 5'-GAAGTTTATCCAATAGTTTAGATCGGGAAGCTGTCCCTTTGCCTTCCCATTCTGCTTTTG[C>G]ACGTAGGTCTTCTGCATGGCTACACATCAGATACCTAAAAATACAACAGAGAAAGCAACC-3'
Protein context (NP_001366332.1, residues 357-377): LMCSHAEDLR[Ala367Pro]KAEWEGKGTA